The following is an entry in ClinVar:

NM_032737.4(LMNB2):c.911G>A (p.Arg304His)

Gene: LMNB2 (lamin B2; minus strand). Cytogenetic location: 19p13.3.
Variant type: single nucleotide variant.
Coding change: c.911G>A on transcript NM_032737.4 (MANE Select); coding-DNA position 911, G replaced by A.
Protein change: p.Arg304His; replaces arginine 304 with histidine.
Molecular consequence: missense variant.
Genome position (GRCh38, 1-based): chr19:2,434,858, C>T on the plus strand (G>A on the coding strand, the complement: LMNB2 is on the minus strand). VCF-style: chr19-2434858-C-T. GRCh37 (hg19) VCF-style: chr19-2434856-C-T.
Other names: c.851G>A (NM_032737.2); short protein forms R304H.
Identifiers: ClinVar variation 1440208 (VCV001440208.7), dbSNP rs567796688, ClinGen allele CA9067682.

ClinVar aggregate classification (germline): Uncertain significance. Review status: criteria provided, multiple submitters, no conflicts (2 of 4 stars). 2 submissions from 2 submitters: Uncertain significance (2). Last evaluated 2025-12-17.

Conditions:
Lipodystrophy, partial, acquired, susceptibility to (APLD). Also called: APLD, SUSCEPTIBILITY TO. Identifiers: MedGen C3887501, MONDO:0100476, OMIM 608709.
Progressive myoclonic epilepsy type 9. Identifiers: Orphanet 457265, MedGen C4225289, MONDO:0014685, OMIM 616540.

Allele frequency attached by ClinVar (database versions not stated): gnomAD 0.00003; TOPMed 0.00003.
gnomAD v4.1: 55 of 1,607,604 alleles (0.0034%); highest among the groups gnomAD compares: African/African-American, 0.0053%; no homozygotes.

Submissions (2):

Ambry Genetics
Classification: Uncertain significance. Last evaluated: 2025-12-17. Review status: criteria provided, single submitter. Criteria: Ambry Variant Classification Scheme 2023. Collection method: clinical testing. Allele origin: germline.

Labcorp Genetics (formerly Invitae), Labcorp
Classification: Uncertain significance for Progressive myoclonic epilepsy type 9; Lipodystrophy, partial, acquired, susceptibility to. Last evaluated: 2022-10-07. Review status: criteria provided, single submitter. Criteria: Invitae Variant Classification Sherloc (09022015). Collection method: clinical testing. Allele origin: germline.
Comment: In summary, the available evidence is currently insufficient to determine the role of this variant in disease. Therefore, it has been classified as a Variant of Uncertain Significance. Algorithms developed to predict the effect of missense changes on protein structure and function (SIFT, PolyPhen-2, Align-GVGD) all suggest that this variant is likely to be disruptive. ClinVar contains an entry for this variant (Variation ID: 1440208). This variant has not been reported in the literature in individuals affected with LMNB2-related conditions. The frequency data for this variant in the population databases is considered unreliable, as metrics indicate poor data quality at this position in the gnomAD database. This sequence change replaces arginine, which is basic and polar, with histidine, which is basic and polar, at codon 304 of the LMNB2 protein (p.Arg304His).